The following is an entry in ClinVar:

ClinVar aggregate classification (germline): Uncertain significance (1 of 4 stars; one submission).

Conditions:
TUB-related disorder. Also called: TUB-related condition.

Submission:

PreventionGenetics, part of Exact Sciences
Classification: Uncertain significance for TUB-related condition. Last evaluated: 2026-03-16. Review status: criteria provided, single submitter. Criteria: ACMG Guidelines, 2015. Collection method: clinical testing. Allele origin: germline.
Comment: The TUB c.155G>C variant is predicted to result in the amino acid substitution p.Arg52Pro. To our knowledge, this variant has not been reported in the literature or in a large population database (gnomAD), indicating this variant is rare. At this time, the clinical significance of this variant is uncertain due to the absence of conclusive functional and genetic evidence.

NM_003320.5(TUB):c.155G>C (p.Arg52Pro)

Gene: TUB (TUB bipartite transcription factor; plus strand). Cytogenetic location: 11p15.4.
Variant type: single nucleotide variant.
Coding change: c.155G>C on transcript NM_003320.5; coding-DNA position 155, G replaced by C.
Protein change: p.Arg52Pro; replaces arginine 52 with proline.
Molecular consequence: missense variant. On other transcripts: intron variant (4).
Genome position (GRCh38, 1-based): chr11:8,039,028, G>C. VCF-style: chr11-8039028-G-C. GRCh37 (hg19) VCF-style: chr11-8060575-G-C.
Other names: c.56+19670G>C (NM_001440540.1, NM_001440542.1, NM_001440538.1 and 1 more transcripts); short protein forms R52P.
Identifiers: ClinVar variation 4995988 (VCV004995988.1).